The following is an entry in ClinVar:

ClinVar aggregate classification (germline): Uncertain significance. Review status: criteria provided, multiple submitters, no conflicts (2 of 4 stars). 2 submissions from 2 submitters: Uncertain significance (2). Last evaluated 2025-08-24.

Conditions:
Dilated Cardiomyopathy, Recessive.

Allele frequency attached by ClinVar (database versions not stated): ExAC below 0.00001; gnomAD 0.00001; gnomAD exomes 0.00001 and 0.00002.
gnomAD v4.1: 30 of 1,579,208 alleles (0.0019%); highest among the groups gnomAD compares: Middle Eastern, 0.033%; no homozygotes.

Submissions (2):

Ambry Genetics
Classification: Uncertain significance. Last evaluated: 2025-08-24. Review status: criteria provided, single submitter. Criteria: Ambry Variant Classification Scheme 2023. Collection method: clinical testing. Allele origin: germline.

Labcorp Genetics (formerly Invitae), Labcorp
Classification: Uncertain significance. Last evaluated: 2024-11-10. Review status: criteria provided, single submitter. Criteria: Invitae Variant Classification Sherloc (09022015). Collection method: clinical testing. Allele origin: germline.
Comment: This sequence change replaces valine, which is neutral and non-polar, with methionine, which is neutral and non-polar, at codon 69 of the PLEKHM2 protein (p.Val69Met). The frequency data for this variant in the population databases is considered unreliable, as metrics indicate poor data quality at this position in the gnomAD database. This variant has not been reported in the literature in individuals affected with PLEKHM2-related conditions. ClinVar contains an entry for this variant (Variation ID: 861067). An algorithm developed to predict the effect of missense changes on protein structure and function (PolyPhen-2) suggests that this variant is likely to be disruptive. In summary, the available evidence is currently insufficient to determine the role of this variant in disease. Therefore, it has been classified as a Variant of Uncertain Significance.

NM_015164.4(PLEKHM2):c.205G>A (p.Val69Met)

Gene: PLEKHM2 (pleckstrin homology and RUN domain containing M2; plus strand). Cytogenetic location: 1p36.21.
Variant type: single nucleotide variant.
Coding change: c.205G>A on transcript NM_015164.4 (MANE Select); coding-DNA position 205, G replaced by A.
Protein change: p.Val69Met; replaces valine 69 with methionine.
Molecular consequence: missense variant.
Genome position (GRCh38, 1-based): chr1:15,716,744, G>A. VCF-style: chr1-15716744-G-A. GRCh37 (hg19) VCF-style: chr1-16043239-G-A.
Other names: short protein forms V69M.
Identifiers: ClinVar variation 861067 (VCV000861067.9), dbSNP rs765299409, ClinGen allele CA616628.